The following is an entry in ClinVar:

ClinVar aggregate classification (germline): Likely benign (1 of 4 stars; one submission).

gnomAD v4.1: 9 of 1,613,918 alleles (0.00056%); highest among the groups gnomAD compares: Admixed American, 0.0017%; no homozygotes.

Submission:

Mayo Clinic Laboratories, Mayo Clinic
Classification: Likely benign. Last evaluated: 2025-08-12. Review status: criteria provided, single submitter. Criteria: ACMG Guidelines, 2015. Collection method: clinical testing. Allele origin: germline. Observed: 1 variant allele.
Comment: BP4, BP7

NM_153365.3(TAPT1):c.1359A>G (p.Lys453=)

Gene: TAPT1 (transmembrane anterior posterior transformation 1; minus strand). Cytogenetic location: 4p15.32.
Variant type: single nucleotide variant.
Coding change: c.1359A>G on transcript NM_153365.3 (MANE Select); coding-DNA position 1359, A replaced by G.
Protein change: p.Lys453=; no amino-acid change (lysine 453 retained).
Molecular consequence: synonymous variant.
Genome position (GRCh38, 1-based): chr4:16,166,748, T>C on the plus strand (A>G on the coding strand, the complement: TAPT1 is on the minus strand). VCF-style: chr4-16166748-T-C. GRCh37 (hg19) VCF-style: chr4-16168371-T-C.
Other names: p.Lys453=.
Identifiers: ClinVar variation 4684781 (VCV004684781.1).